The following is an entry in ClinVar:

ClinVar aggregate classification (germline): Benign/Likely benign. Review status: criteria provided, multiple submitters, no conflicts (2 of 4 stars). 8 submissions from 8 submitters: Benign (3); Likely benign (5). Last evaluated 2026-09-01.

Conditions:
Charcot-Marie-Tooth disease axonal type 2O. Also called: CHARCOT-MARIE-TOOTH NEUROPATHY, AXONAL, TYPE 2O; CHARCOT-MARIE-TOOTH DISEASE, AXONAL, AUTOSOMAL DOMINANT, TYPE 2O; Charcot-Marie-Tooth Neuropathy Type 2O; Charcot-Marie-Tooth disease, axonal, type 20. Identifiers: Orphanet 284232, MedGen C3280220, MONDO:0013644, OMIM 614228.
Inborn genetic diseases. Identifiers: MedGen C0950123, MeSH D030342.
Charcot-Marie-Tooth disease. Also called: Charcot-Marie-Tooth Hereditary Neuropathy; Charcot-Marie-Tooth Neuropathy. Identifiers: Orphanet 166, MedGen C0007959, MONDO:0015626.

Allele frequency attached by ClinVar (database versions not stated): gnomAD exomes 0.00029 and 0.00071; ExAC 0.00101; gnomAD 0.00309 and 0.00332; TOPMed 0.00311; ESP Exome Variant Server 0.00392; 1000 Genomes Project 0.00399; 1000 Genomes Project 30x 0.00406.
gnomAD v4.1: 900 of 1,614,204 alleles (0.056%); highest among the groups gnomAD compares: African/African-American, 1.1%; 2 homozygotes.

Submissions (8):

CeGaT Center for Human Genetics Tuebingen
Classification: Likely benign. Last evaluated: 2026-09-01. Review status: criteria provided, single submitter. Criteria: CeGaT Center For Human Genetics Tuebingen Variant Classification Criteria Version 2. Collection method: clinical testing. Allele origin: germline. Affected: yes. Observed: 6 variant alleles.
Comment: DYNC1H1: BP4, BP7, BS1

Labcorp Genetics (formerly Invitae), Labcorp
Classification: Benign for Charcot-Marie-Tooth disease axonal type 2O. Last evaluated: 2026-02-03. Review status: criteria provided, single submitter. Criteria: Invitae Variant Classification Sherloc (09022015). Collection method: clinical testing. Allele origin: germline.

Blueprint Genetics
Classification: Likely benign. Last evaluated: 2024-08-05. Review status: criteria provided, single submitter. Criteria: ACMG Guidelines, 2015. Collection method: clinical testing. Allele origin: germline.

Athena Diagnostics
Classification: Benign. Last evaluated: 2017-03-30. Review status: criteria provided, single submitter. Criteria: Athena Diagnostics Criteria. Collection method: clinical testing. Allele origin: germline.

GeneDx
Classification: Benign. Last evaluated: 2016-12-05. Review status: criteria provided, single submitter. Criteria: GeneDx Variant Classification (06012015). Collection method: clinical testing. Allele origin: germline. Affected: yes.
Comment: This variant is considered likely benign or benign based on one or more of the following criteria: it is a conservative change, it occurs at a poorly conserved position in the protein, it is predicted to be benign by multiple in silico algorithms, and/or has population frequency not consistent with disease.

Ambry Genetics
Classification: Likely benign for Inborn genetic diseases. Last evaluated: 2016-04-15. Review status: criteria provided, single submitter. Criteria: Ambry Variant Classification Scheme 2023. Collection method: clinical testing. Allele origin: germline.

Breakthrough Genomics
Classification: Likely benign. Review status: criteria provided, single submitter. Criteria: ACMG Guidelines, 2015. Collection method: not provided. Allele origin: germline. Inheritance: Autosomal dominant inheritance. Affected: yes.

Molecular Genetics Laboratory, London Health Sciences Centre
Classification: Likely benign for Charcot-Marie-Tooth disease. Review status: criteria provided, single submitter. Criteria: ACMG Guidelines, 2015. Collection method: clinical testing. Allele origin: germline. Affected: yes.

NM_001376.5(DYNC1H1):c.10293C>T (p.Asn3431=)

Gene: DYNC1H1 (dynein cytoplasmic 1 heavy chain 1; plus strand). Cytogenetic location: 14q32.31.
Variant type: single nucleotide variant.
Coding change: c.10293C>T on transcript NM_001376.5 (MANE Select); coding-DNA position 10293, C replaced by T.
Protein change: p.Asn3431=; no amino-acid change (asparagine 3431 retained).
Molecular consequence: synonymous variant.
Genome position (GRCh38, 1-based): chr14:102,033,364, C>T. VCF-style: chr14-102033364-C-T. GRCh37 (hg19) VCF-style: chr14-102499701-C-T.
Identifiers: ClinVar variation 384931 (VCV000384931.42), dbSNP rs75075497, ClinGen allele CA7353389.